The following is an entry in ClinVar:

ClinVar aggregate classification (germline): Pathogenic. Review status: criteria provided, multiple submitters, no conflicts (2 of 4 stars). 3 submissions from 3 submitters: Pathogenic (2). 1 of the submissions does not count toward it. Last evaluated 2023-05-03.

Conditions:
Familial adenomatous polyposis 1 (FAP1). Also called: FAMILIAL ADENOMATOUS POLYPOSIS 1, ATTENUATED; POLYPOSIS, ADENOMATOUS INTESTINAL. Identifiers: MedGen C2713442, MONDO:0021056, OMIM 175100. Disease mechanism: loss of function.
Carcinoma of colon (CRC). Also called: Colon carcinoma; Colonic carcinoma. Identifiers: MedGen C0699790, MONDO:0002032.

Submissions (3):

Myriad Genetics, Inc.
Classification: Pathogenic for Familial adenomatous polyposis 1. Last evaluated: 2023-05-03. Review status: criteria provided, single submitter. Criteria: Myriad Autosomal Dominant, Autosomal Recessive and X-Linked Classification Criteria (2023). Collection method: clinical testing. Allele origin: unknown.
Comment: This variant is considered pathogenic. This variant creates a frameshift predicted to result in premature protein truncation.

Labcorp Genetics (formerly Invitae), Labcorp
Classification: Pathogenic for Familial adenomatous polyposis 1. Last evaluated: 2020-06-30. Review status: criteria provided, single submitter. Criteria: Invitae Variant Classification Sherloc (09022015). Collection method: clinical testing. Allele origin: germline.
Comment: This sequence change results in a premature translational stop signal in the APC gene (p.Leu665Ilefs*8). While this is not anticipated to result in nonsense mediated decay, it is expected to disrupt the last 2179 amino acids of the APC protein. This variant is not present in population databases (ExAC no frequency). This variant has been observed in an individual with familial adenomatous polyposis (PMID: 10768871). This variant is also known as 665 TT del in the literature. This variant is expected to disrupt the EB1 and HDLG binding sites, which mediate interactions with the cytoskeleton (PMID: 15311282, 17293347). While functional studies have not been performed to directly test the effect on APC protein function, this suggests that disruption of the C-terminal portion of the protein is functionally important. A different truncation (p.Tyr2645Lysfs*14) that lies downstream of this variant has been determined to be pathogenic (PMID: 9824584, 1316610, 27081525, 8381579, 22135120, Invitae). This suggests that deletion of this region of the APC protein is causative of disease. For these reasons, this variant has been classified as Pathogenic.

Department of Pathology and Laboratory Medicine, Sinai Health System
Classification: Uncertain significance for Carcinoma of colon. Review status: no assertion criteria provided. Collection method: clinical testing. Allele origin: unknown. Affected: yes. Observed: 2 variant alleles. Study: The Canadian Open Genetics Repository (COGR). Not counted in ClinVar's aggregate classification.

Literature cited by the submitters: PubMed 10768871 (cited by Labcorp Genetics (formerly Invitae), Labcorp); PubMed 15311282 (cited by Labcorp Genetics (formerly Invitae), Labcorp); PubMed 17293347 (cited by Labcorp Genetics (formerly Invitae), Labcorp); PubMed 9824584 (cited by Labcorp Genetics (formerly Invitae), Labcorp); PubMed 1316610 (cited by Labcorp Genetics (formerly Invitae), Labcorp); PubMed 27081525 (cited by Labcorp Genetics (formerly Invitae), Labcorp); PubMed 8381579 (cited by Labcorp Genetics (formerly Invitae), Labcorp); PubMed 22135120 (cited by Labcorp Genetics (formerly Invitae), Labcorp).

NM_000038.6(APC):c.1993_1994del (p.Leu665fs)

Gene: APC (APC regulator of Wnt signaling pathway; plus strand). Cytogenetic location: 5q22.2.
Variant type: Deletion.
Coding change: c.1993_1994del on transcript NM_000038.6 (MANE Select); coding-DNA positions 1993 to 1994, 2 bases deleted (TT; older notation c.1993_1994delTT).
Protein change: p.Leu665fs; shifts the reading frame from leucine 665.
Molecular consequence: frameshift variant.
Genome position (GRCh38, 1-based): chr5:112,837,587-112,837,588, TT deleted; deleting any 2 consecutive bases within chr5:112,837,586-112,837,588 gives the same sequence; the c. name uses the placement nearest the transcript's 3' end. VCF-style (leftmost placement, unchanged base first): chr5-112837585-CTT-C. GRCh37 (hg19) VCF-style: chr5-112173282-CTT-C.
Other names: c.1993_1994del, p.Leu665fs (NM_001127510.3, NM_001354895.2); c.1939_1940del, p.Leu647fs (NM_001127511.3); c.2047_2048del, p.Leu683fs (NM_001354896.2); c.2023_2024del, p.Leu675fs (NM_001354897.2); c.1918_1919del, p.Leu640fs (NM_001354898.2); c.1909_1910del, p.Leu637fs (NM_001354899.2); c.1870_1871del, p.Leu624fs (NM_001354900.2); c.1816_1817del, p.Leu606fs (NM_001354901.2); and 5 more; short protein forms L539fs, L564fs, L683fs, L647fs, L382fs, L574fs, L606fs, L624fs.
Identifiers: ClinVar variation 647921 (VCV000647921.12), dbSNP rs1580617349, ClinGen allele CA645562827.